The following is an entry in ClinVar:

NM_001378454.1(ALMS1):c.7037G>A (p.Arg2346Lys)

Gene: ALMS1 (ALMS1 centrosome and basal body associated protein; plus strand). Cytogenetic location: 2p13.1.
Variant type: single nucleotide variant.
Coding change: c.7037G>A on transcript NM_001378454.1 (MANE Select); coding-DNA position 7037, G replaced by A.
Protein change: p.Arg2346Lys; replaces arginine 2346 with lysine.
Molecular consequence: missense variant.
Genome position (GRCh38, 1-based): chr2:73,453,564, G>A. VCF-style: chr2-73453564-G-A. GRCh37 (hg19) VCF-style: chr2-73680691-G-A.
Other names: c.7040G>A, p.Arg2347Lys (NM_015120.4); short protein forms R2346K, R2347K.
Identifiers: ClinVar variation 1522489 (VCV001522489.6), dbSNP rs765006341, ClinGen allele CA1714173.
Genomic context (GRCh38, chr2:73,453,564, plus strand): 5'-GCCCAAGCAGCAGGTGCATACAGAAGGATATTGGCACACAGACGAATTTGAAATGCCGGA[G>A]AGGCATTGAAAATTGGGAGTTTATTAGTTCAACTACAGTTAGAAGTCCTCTACAGGAAGC-3'
Protein context (NP_001365383.1, residues 2336-2356): IGTQTNLKCR[Arg2346Lys]GIENWEFISS

ClinVar aggregate classification (germline): Uncertain significance. Review status: criteria provided, multiple submitters, no conflicts (2 of 4 stars). 2 submissions from 2 submitters: Uncertain significance (2). Last evaluated 2025-11-25.

Conditions:
Alstrom syndrome (ALMS). Identifiers: Orphanet 64, MedGen C0268425, MONDO:0008763, OMIM 203800.

Allele frequency attached by ClinVar (database versions not stated): ExAC 0.00001; TOPMed 0.00001; gnomAD exomes 0.00002.
gnomAD v4.1: 7 of 1,613,876 alleles (0.00043%); highest among the groups gnomAD compares: Admixed American, 0.01%; no homozygotes.

Submissions (2):

GeneDx
Classification: Uncertain significance. Last evaluated: 2025-11-25. Review status: criteria provided, single submitter. Criteria: GeneDx Variant Classification Process June 2021. Collection method: clinical testing. Allele origin: germline.
Comment: Not observed at significant frequency in large population cohorts (gnomAD); In silico analysis supports that this missense variant has a deleterious effect on protein structure/function; Has not been previously published as pathogenic or benign to our knowledge

Labcorp Genetics (formerly Invitae), Labcorp
Classification: Uncertain significance for Alstrom syndrome. Last evaluated: 2024-10-18. Review status: criteria provided, single submitter. Criteria: Invitae Variant Classification Sherloc (09022015). Collection method: clinical testing. Allele origin: germline.
Comment: This sequence change replaces arginine, which is basic and polar, with lysine, which is basic and polar, at codon 2347 of the ALMS1 protein (p.Arg2347Lys). This variant is present in population databases (rs765006341, gnomAD 0.009%). This variant has not been reported in the literature in individuals affected with ALMS1-related conditions. ClinVar contains an entry for this variant (Variation ID: 1522489). Experimental studies and prediction algorithms are not available or were not evaluated, and the functional significance of this variant is currently unknown. In summary, the available evidence is currently insufficient to determine the role of this variant in disease. Therefore, it has been classified as a Variant of Uncertain Significance.